The following is an entry in ClinVar:

ClinVar aggregate classification (germline): Uncertain significance (1 of 4 stars; one submission).

Submission:

Ambry Genetics
Classification: Uncertain significance. Last evaluated: 2024-05-31. Review status: criteria provided, single submitter. Criteria: Ambry Variant Classification Scheme 2023. Collection method: clinical testing. Allele origin: germline.
Comment: The p.A112G variant (also known as c.335C>G), located in coding exon 1 of the EGLN2 gene, results from a C to G substitution at nucleotide position 335. The alanine at codon 112 is replaced by glycine, an amino acid with similar properties. This amino acid position is conserved. In addition, this alteration is predicted to be tolerated by in silico analysis. Based on the available evidence, the clinical significance of this variant remains unclear.

NM_080732.4(EGLN2):c.335C>G (p.Ala112Gly)

Genes: EGLN2 (egl-9 family hypoxia inducible factor 2; plus strand), RAB4B-EGLN2 (RAB4B-EGLN2 readthrough (NMD candidate); plus strand). Cytogenetic location: 19q13.2.
Variant type: single nucleotide variant.
Coding change: c.335C>G on transcript NM_080732.4 (MANE Select); coding-DNA position 335, C replaced by G.
Protein change: p.Ala112Gly; replaces alanine 112 with glycine.
Molecular consequence: missense variant. On other transcripts: non-coding transcript variant (1).
Genome position (GRCh38, 1-based): chr19:40,800,907, C>G. VCF-style: chr19-40800907-C-G. GRCh37 (hg19) VCF-style: chr19-41306812-C-G.
Other names: c.335C>G, p.Ala112Gly (NM_053046.4); short protein forms A112G.
Identifiers: ClinVar variation 3274814 (VCV003274814.1).
Genomic context (GRCh38, chr19:40,800,907, plus strand): 5'-AGAGTGAAGGCGCTGCAGCGCTGGTCACCAAGGGGTGCCAGCGATTGGCAGCCCAGGGCG[C>G]ACGGCCTGAGGCCCCCAAACGGAAATGGGCCGAGGATGGTGGGGATGCCCCTTCACCCAG-3'
Protein context (NP_542770.2, residues 102-122): KGCQRLAAQG[Ala112Gly]RPEAPKRKWA